The following is an entry in ClinVar:

ClinVar aggregate classification (germline): Uncertain significance (1 of 4 stars; one submission).

Allele frequency attached by ClinVar (database versions not stated): TOPMed below 0.00001; gnomAD 0.00001; gnomAD exomes 0.00001 and 0.00002.
gnomAD v4.1: 25 of 1,601,704 alleles (0.0016%); highest among the groups gnomAD compares: Non-Finnish European, 0.0018%; no homozygotes.

Submission:

Labcorp Genetics (formerly Invitae), Labcorp
Classification: Uncertain significance. Last evaluated: 2025-09-16. Review status: criteria provided, single submitter. Criteria: Invitae Variant Classification Sherloc (09022015). Collection method: clinical testing. Allele origin: germline.
Comment: This sequence change replaces aspartic acid, which is acidic and polar, with asparagine, which is neutral and polar, at codon 51 of the FSCN2 protein (p.Asp51Asn). The frequency data for this variant in the population databases is considered unreliable, as metrics indicate poor data quality at this position in the gnomAD database. This variant has not been reported in the literature in individuals affected with FSCN2-related conditions. ClinVar contains an entry for this variant (Variation ID: 840023). An algorithm developed to predict the effect of missense changes on protein structure and function (PolyPhen-2) suggests that this variant is likely to be disruptive. In summary, the available evidence is currently insufficient to determine the role of this variant in disease. Therefore, it has been classified as a Variant of Uncertain Significance.

NM_012418.4(FSCN2):c.151G>A (p.Asp51Asn)

Gene: FSCN2 (fascin actin-bundling protein 2, retinal; plus strand). Cytogenetic location: 17q25.3.
Variant type: single nucleotide variant.
Coding change: c.151G>A on transcript NM_012418.4 (MANE Select); coding-DNA position 151, G replaced by A.
Protein change: p.Asp51Asn; replaces aspartic acid 51 with asparagine.
Molecular consequence: missense variant.
Genome position (GRCh38, 1-based): chr17:81,528,682, G>A. VCF-style: chr17-81528682-G-A. GRCh37 (hg19) VCF-style: chr17-79495708-G-A.
Other names: c.151G>A, p.Asp51Asn (NM_001077182.3); short protein forms D51N.
Identifiers: ClinVar variation 840023 (VCV000840023.11), dbSNP rs797034438, ClinGen allele CA401469959.